The following is an entry in ClinVar:

ClinVar aggregate classification (germline): Uncertain significance (1 of 4 stars; one submission).

Allele frequency attached by ClinVar (database versions not stated): gnomAD exomes 0.00002; TOPMed 0.00003; ExAC 0.00009.
gnomAD v4.1: 16 of 700,300 alleles (0.0023%); highest among the groups gnomAD compares: South Asian, 0.0044%; no homozygotes.

Submission:

Labcorp Genetics (formerly Invitae), Labcorp
Classification: Uncertain significance. Last evaluated: 2022-08-06. Review status: criteria provided, single submitter. Criteria: Invitae Variant Classification Sherloc (09022015). Collection method: clinical testing. Allele origin: germline.
Comment: This variant occurs in the RNU4ATAC gene, which encodes an RNA molecule that does not result in a protein product. This variant is present in population databases (rs776819299, gnomAD 0.009%). This variant has not been reported in the literature in individuals affected with RNU4ATAC-related conditions. ClinVar contains an entry for this variant (Variation ID: 1414035). Experimental studies and prediction algorithms are not available or were not evaluated, and the functional significance of this variant is currently unknown. In summary, the available evidence is currently insufficient to determine the role of this variant in disease. Therefore, it has been classified as a Variant of Uncertain Significance.

NC_000002.12:g.121530935T>C

Genes: CLASP1-AS1 (CLASP1 antisense RNA 1; plus strand), RNU4ATAC (RNA, U4atac small nuclear; plus strand), CLASP1 (cytoplasmic linker associated protein 1; minus strand). Cytogenetic location: 2q14.2.
Variant type: single nucleotide variant.
Molecular consequence: intron variant (on NM_001395891.1).
Genome position: GRCh38 VCF-style: chr2-121530935-T-C. GRCh37 (hg19) VCF-style: chr2-122288511-T-C.
Other names: c.196-610A>G (NM_001142274.2, NM_015282.3, NM_001378003.1 and 5 more transcripts).
Identifiers: ClinVar variation 1414035 (VCV001414035.3), dbSNP rs776819299, ClinGen allele CA1854708.